The following is an entry in ClinVar:

ClinVar aggregate classification (germline): Likely benign (1 of 4 stars; one submission).

Allele frequency attached by ClinVar (database versions not stated): TOPMed 0.00001; gnomAD 0.00004; gnomAD exomes 0.00010; ExAC 0.00023; 1000 Genomes Project 30x 0.00031.
gnomAD v4.1: 152 of 1,614,052 alleles (0.0094%); highest among the groups gnomAD compares: South Asian, 0.13%; 1 homozygote.

Submission:

CeGaT Center for Human Genetics Tuebingen
Classification: Likely benign. Last evaluated: 2022-10-01. Review status: criteria provided, single submitter. Criteria: CeGaT Center For Human Genetics Tuebingen Variant Classification Criteria Version 2. Collection method: clinical testing. Allele origin: germline. Affected: yes. Observed: 1 variant allele.
Comment: CUBN: BP4

NM_001081.4(CUBN):c.9355C>T (p.Pro3119Ser)

Gene: CUBN (cubilin; minus strand). Cytogenetic location: 10p13.
Variant type: single nucleotide variant.
Coding change: c.9355C>T on transcript NM_001081.4 (MANE Select); coding-DNA position 9355, C replaced by T.
Protein change: p.Pro3119Ser; replaces proline 3119 with serine.
Molecular consequence: missense variant.
Genome position (GRCh38, 1-based): chr10:16,869,735, G>A on the plus strand (C>T on the coding strand, the complement: CUBN is on the minus strand). VCF-style: chr10-16869735-G-A. GRCh37 (hg19) VCF-style: chr10-16911734-G-A.
Other names: short protein forms P3119S.
Identifiers: ClinVar variation 1711254 (VCV001711254.30), dbSNP rs753981850, ClinGen allele CA5422724.